The following is an entry in ClinVar:

NM_024422.6(DSC2):c.2470T>G (p.Ser824Ala)

Gene: DSC2 (desmocollin 2; minus strand). Cytogenetic location: 18q12.1.
Variant type: single nucleotide variant.
Coding change: c.2470T>G on transcript NM_024422.6 (MANE Select); coding-DNA position 2470, T replaced by G.
Protein change: p.Ser824Ala; replaces serine 824 with alanine.
Molecular consequence: missense variant.
Genome position (GRCh38, 1-based): chr18:31,068,932, A>C on the plus strand (T>G on the coding strand, the complement: DSC2 is on the minus strand). VCF-style: chr18-31068932-A-C. GRCh37 (hg19) VCF-style: chr18-28648898-A-C.
Other names: c.2041T>G, p.Ser681Ala (NM_001406506.1, NM_001406507.1); c.2470T>G, p.Ser824Ala (NM_004949.5); short protein forms S681A, S824A.
Identifiers: ClinVar variation 3071689 (VCV003071689.2), dbSNP rs200197897, ClinGen allele CA036945.

ClinVar aggregate classification (germline): Uncertain significance. Review status: criteria provided, multiple submitters, no conflicts (2 of 4 stars). 3 submissions from 3 submitters: Uncertain significance (3). Last evaluated 2025-06-03.

Conditions:
Familial isolated arrhythmogenic right ventricular dysplasia. Identifiers: Orphanet 217656, MedGen C4274968, MONDO:0016342.
Cardiomyopathy (CMYO). Also called: Cardiomyopathies. Identifiers: Orphanet 167848, MedGen C0878544, MONDO:0004994, HP:0001638. Inheritance: Various modes of inheritance.
Arrhythmogenic right ventricular dysplasia 11. Also called: ARRHYTHMOGENIC RIGHT VENTRICULAR DYSPLASIA, FAMILIAL, 11; Arrhythmogenic Right Ventricular Dysplasia/Cardiomyopathy11; Arrhythmogenic right ventricular dysplasia 11 with mild palmoplantar keratoderma and woolly hair. Identifiers: MedGen C1864850, MONDO:0012506, OMIM 610476.

Allele frequency attached by ClinVar (database versions not stated): gnomAD 0.00001; 1000 Genomes Project 30x 0.00016; ExAC 0.00001; 1000 Genomes Project 0.00020; gnomAD exomes 0.00001.
gnomAD v4.1: 9 of 1,613,932 alleles (0.00056%); highest among the groups gnomAD compares: East Asian, 0.02%; no homozygotes.

Submissions (3):

Color Diagnostics, LLC DBA Color Health
Classification: Uncertain significance for Cardiomyopathy. Last evaluated: 2025-06-03. Review status: criteria provided, single submitter. Criteria: ACMG Guidelines, 2015. Collection method: clinical testing. Allele origin: germline.
Comment: This missense variant replaces serine with alanine at codon 824 of the DSC2 protein. Computational prediction suggests that this variant may not impact protein structure and function. To our knowledge, functional studies have not been reported for this variant. This variant has not been reported in individuals affected with DSC2-related disorders in the literature. This variant has been identified in 1/251090 chromosomes in the general population by the Genome Aggregation Database (gnomAD). The available evidence is insufficient to determine the role of this variant in disease conclusively. Therefore, this variant is classified as a Variant of Uncertain Significance.

Labcorp Genetics (formerly Invitae), Labcorp
Classification: Uncertain significance for Arrhythmogenic right ventricular dysplasia 11. Last evaluated: 2025-04-10. Review status: criteria provided, single submitter. Criteria: Invitae Variant Classification Sherloc (09022015). Collection method: clinical testing. Allele origin: germline.
Comment: This sequence change replaces serine, which is neutral and polar, with alanine, which is neutral and non-polar, at codon 824 of the DSC2 protein (p.Ser824Ala). This variant is present in population databases (rs200197897, gnomAD 0.006%). This variant has not been reported in the literature in individuals affected with DSC2-related conditions. ClinVar contains an entry for this variant (Variation ID: 3071689). Invitae Evidence Modeling of protein sequence and biophysical properties (such as structural, functional, and spatial information, amino acid conservation, physicochemical variation, residue mobility, and thermodynamic stability) indicates that this missense variant is not expected to disrupt DSC2 protein function with a negative predictive value of 80%. In summary, the available evidence is currently insufficient to determine the role of this variant in disease. Therefore, it has been classified as a Variant of Uncertain Significance.

All of Us Research Program, National Institutes of Health
Classification: Uncertain significance for Familial isolated arrhythmogenic right ventricular dysplasia. Last evaluated: 2023-06-28. Review status: criteria provided, single submitter. Criteria: ACMG Guidelines, 2015. Collection method: clinical testing. Allele origin: germline. Inheritance: Autosomal dominant inheritance. Observed: 1 variant allele, 1 heterozygote.
Comment: This study involves interpretation of variants in research participants for the purpose of population health screening. Participant phenotype was not available at the time of variant classification. Additional details can be found in publication PMID: 35346344, PMCID: PMC8962531